The following is an entry in ClinVar:

ClinVar aggregate classification (germline): Uncertain significance (1 of 4 stars; one submission).

Conditions:
Beckwith-Wiedemann syndrome (BWS). Also called: Exomphalos macroglossia gigantism syndrome; EMG SYNDROME. Identifiers: Orphanet 116, MedGen C0004903, MONDO:0007534, OMIM 130650.

Submission:

Labcorp Genetics (formerly Invitae), Labcorp
Classification: Uncertain significance for Beckwith-Wiedemann syndrome. Last evaluated: 2025-02-07. Review status: criteria provided, single submitter. Criteria: Invitae Variant Classification Sherloc (09022015). Collection method: clinical testing. Allele origin: germline.
Comment: This sequence change replaces alanine, which is neutral and non-polar, with serine, which is neutral and polar, at codon 193 of the CDKN1C protein (p.Ala193Ser). The frequency data for this variant in the population databases is considered unreliable, as metrics indicate insufficient coverage at this position in the gnomAD database. This variant has not been reported in the literature in individuals affected with CDKN1C-related conditions. ClinVar contains an entry for this variant (Variation ID: 961672). Invitae Evidence Modeling of protein sequence and biophysical properties (such as structural, functional, and spatial information, amino acid conservation, physicochemical variation, residue mobility, and thermodynamic stability) indicates that this missense variant is not expected to disrupt CDKN1C protein function with a negative predictive value of 80%. In summary, the available evidence is currently insufficient to determine the role of this variant in disease. Therefore, it has been classified as a Variant of Uncertain Significance.

NM_001122630.2(CDKN1C):c.544G>T (p.Ala182Ser)

Gene: CDKN1C (cyclin dependent kinase inhibitor 1C; minus strand). Cytogenetic location: 11p15.4.
Variant type: single nucleotide variant.
Coding change: c.544G>T on transcript NM_001122630.2 (MANE Select); coding-DNA position 544, G replaced by T.
Protein change: p.Ala182Ser; replaces alanine 182 with serine.
Molecular consequence: missense variant. On other transcripts: intron variant (1).
Genome position (GRCh38, 1-based): chr11:2,884,913, C>A on the plus strand (G>T on the coding strand, the complement: CDKN1C is on the minus strand). VCF-style: chr11-2884913-C-A. GRCh37 (hg19) VCF-style: chr11-2906143-C-A.
Other names: c.577G>T, p.Ala193Ser (NM_000076.2, NM_001362474.2); c.544G>T, p.Ala182Ser (NM_001122631.2); c.255+289G>T (NM_001362475.2); short protein forms A182S, A193S.
Identifiers: ClinVar variation 961672 (VCV000961672.8), dbSNP rs1848940392, ClinGen allele CA379146432.